The following is an entry in ClinVar:

NM_000051.4(ATM):c.4969A>T (p.Met1657Leu)

Gene: ATM (ATM serine/threonine kinase; plus strand). Cytogenetic location: 11q22.3.
Variant type: single nucleotide variant.
Coding change: c.4969A>T on transcript NM_000051.4 (MANE Select); coding-DNA position 4969, A replaced by T.
Protein change: p.Met1657Leu; replaces methionine 1657 with leucine.
Molecular consequence: missense variant.
Genome position (GRCh38, 1-based): chr11:108,297,346, A>T. VCF-style: chr11-108297346-A-T. GRCh37 (hg19) VCF-style: chr11-108168073-A-T.
Other names: c.4969A>T, p.Met1657Leu (NM_001351834.2); short protein forms M1657L.
Identifiers: ClinVar variation 1025319 (VCV001025319.8), dbSNP rs1060501656, ClinGen allele CA382538385.
Genomic context (GRCh38, chr11:108,297,346, plus strand): 5'-GATAATCCGCAAGATGGGATTATGGTGAAACTAGTTGTCAATTTGTTGCAGTTATCCAAG[A>T]TGGCAATAAACCACACTGGTGAAAAAGAAGTTCTAGGTAAACTACAGTCATGCGCTGCGT-3'
Protein context (NP_000042.3, residues 1647-1667): LVVNLLQLSK[Met1657Leu]AINHTGEKEV

ClinVar aggregate classification (germline): Uncertain significance (1 of 4 stars; one submission).

Conditions:
Ataxia-telangiectasia syndrome (AT). Also called: ATAXIA-TELANGIECTASIA, FRESNO VARIANT; Ataxia-telangiectasia, complementation group D; AT, COMPLEMENTATION GROUP C; Cerebello-oculocutaneous telangiectasia; Immunodeficiency with ataxia telangiectasia; Ataxia telangiectasia (A-T). Identifiers: Orphanet 100, MedGen C0004135, MONDO:0008840, OMIM 208900.

Submission:

Labcorp Genetics (formerly Invitae), Labcorp
Classification: Uncertain significance for Ataxia-telangiectasia syndrome. Last evaluated: 2022-06-13. Review status: criteria provided, single submitter. Criteria: Invitae Variant Classification Sherloc (09022015). Collection method: clinical testing. Allele origin: germline.
Comment: In summary, the available evidence is currently insufficient to determine the role of this variant in disease. Therefore, it has been classified as a Variant of Uncertain Significance. Algorithms developed to predict the effect of sequence changes on RNA splicing suggest that this variant may disrupt the consensus splice site. Advanced modeling of protein sequence and biophysical properties (such as structural, functional, and spatial information, amino acid conservation, physicochemical variation, residue mobility, and thermodynamic stability) performed at Invitae indicates that this missense variant is not expected to disrupt ATM protein function. ClinVar contains an entry for this variant (Variation ID: 1025319). This variant has not been reported in the literature in individuals affected with ATM-related conditions. This variant is not present in population databases (gnomAD no frequency). This sequence change replaces methionine, which is neutral and non-polar, with leucine, which is neutral and non-polar, at codon 1657 of the ATM protein (p.Met1657Leu).